The following is an entry in ClinVar:

NM_000380.4(XPA):c.129G>A (p.Leu43=)

Gene: XPA (XPA, DNA damage recognition and repair factor; minus strand). Cytogenetic location: 9q22.33.
Variant type: single nucleotide variant.
Coding change: c.129G>A on transcript NM_000380.4 (MANE Select); coding-DNA position 129, G replaced by A.
Protein change: p.Leu43=; no amino-acid change (leucine 43 retained).
Molecular consequence: synonymous variant. On other transcripts: 5 prime UTR variant (1), non-coding transcript variant (5).
Genome position (GRCh38, 1-based): chr9:97,697,164, C>T on the plus strand (G>A on the coding strand, the complement: XPA is on the minus strand). VCF-style: chr9-97697164-C-T. GRCh37 (hg19) VCF-style: chr9-100459446-C-T.
Other names: c.-1021G>A (NM_001354975.2).
Identifiers: ClinVar variation 2673181 (VCV002673181.23), dbSNP rs2490246599, ClinGen allele CA466179224.

ClinVar aggregate classification (germline): Likely benign (1 of 4 stars; one submission).

Allele frequency attached by ClinVar (database versions not stated): gnomAD exomes below 0.00001.
gnomAD v4.1: 1 of 1,578,360 alleles (0.000063%); highest among the groups gnomAD compares: Non-Finnish European, 0.000086%; no homozygotes.

Submission:

CeGaT Center for Human Genetics Tuebingen
Classification: Likely benign. Last evaluated: 2023-11-01. Review status: criteria provided, single submitter. Criteria: CeGaT Center For Human Genetics Tuebingen Variant Classification Criteria Version 2. Collection method: clinical testing. Allele origin: germline. Affected: yes. Observed: 1 variant allele.
Comment: XPA: PM2:Supporting, BP4, BP7